The following is an entry in ClinVar:

ClinVar aggregate classification (germline): Uncertain significance (1 of 4 stars; one submission).

Conditions:
Tuberous sclerosis 2 (TSC2). Identifiers: Orphanet 805, MedGen C1860707, MONDO:0013199, OMIM 613254.

Submission:

Labcorp Genetics (formerly Invitae), Labcorp
Classification: Uncertain significance for Tuberous sclerosis 2. Last evaluated: 2025-04-27. Review status: criteria provided, single submitter. Criteria: Invitae Variant Classification Sherloc (09022015). Collection method: clinical testing. Allele origin: germline.
Comment: This sequence change replaces threonine, which is neutral and polar, with lysine, which is basic and polar, at codon 836 of the TSC2 protein (p.Thr836Lys). This variant is not present in population databases (gnomAD no frequency). This variant has not been reported in the literature in individuals affected with TSC2-related conditions. Invitae Evidence Modeling of protein sequence and biophysical properties (such as structural, functional, and spatial information, amino acid conservation, physicochemical variation, residue mobility, and thermodynamic stability) indicates that this missense variant is not expected to disrupt TSC2 protein function with a negative predictive value of 95%. In summary, the available evidence is currently insufficient to determine the role of this variant in disease. Therefore, it has been classified as a Variant of Uncertain Significance.

NM_000548.5(TSC2):c.2507C>A (p.Thr836Lys)

Gene: TSC2 (TSC complex subunit 2; plus strand). Cytogenetic location: 16p13.3.
Variant type: single nucleotide variant.
Coding change: c.2507C>A on transcript NM_000548.5 (MANE Select); coding-DNA position 2507, C replaced by A.
Protein change: p.Thr836Lys; replaces threonine 836 with lysine.
Molecular consequence: missense variant. On other transcripts: non-coding transcript variant (5).
Genome position (GRCh38, 1-based): chr16:2,074,351, C>A. VCF-style: chr16-2074351-C-A. GRCh37 (hg19) VCF-style: chr16-2124352-C-A.
Other names: c.2507C>A, p.Thr836Lys (NM_001077183.3, NM_001114382.3, NM_001363528.2 and 6 more transcripts); c.2396C>A, p.Thr799Lys (NM_001318827.2, NM_001406670.1, NM_001406678.1); c.2360C>A, p.Thr787Lys (NM_001318829.2, NM_001406675.1, NM_001406676.1 and 1 more transcripts); c.1907C>A, p.Thr636Lys (NM_001318831.2, NM_001406682.1, NM_001406683.1 and 6 more transcripts); c.2540C>A, p.Thr847Lys (NM_001318832.2); c.2597C>A, p.Thr866Lys (NM_001406667.1, NM_001406668.1); c.1163C>A, p.Thr388Lys (NM_001406689.1, NM_001406690.1, NM_001406691.1 and 6 more transcripts); c.2495C>A, p.Thr832Lys (NM_001406671.1, NM_001406673.1); and 3 more; short protein forms T302K, T388K, T636K, T682K, T787K, T799K, T817K, T832K.
Identifiers: ClinVar variation 4802863 (VCV004802863.1).
Genomic context (GRCh38, chr16:2,074,351, plus strand): 5'-CTGACATCATCATCAAGGCGCTGCCTGTTCTGGTGGTGAAGCTCACGCACATCTCAGCCA[C>A]AGCCAGCATGGCCGTCCCACTGCTGGAGTTCCTGTCCAGTGAGTCCCCGCCCTGCCTGCG-3'
Protein context (NP_000539.2, residues 826-846): LVVKLTHISA[Thr836Lys]ASMAVPLLEF